The following is an entry in ClinVar:

ClinVar aggregate classification (germline): Uncertain significance (1 of 4 stars; one submission).

Allele frequency attached by ClinVar (database versions not stated): ExAC 0.00001; gnomAD 0.00001; gnomAD exomes 0.00001; TOPMed 0.00002.
gnomAD v4.1: 10 of 1,613,834 alleles (0.00062%); highest among the groups gnomAD compares: Admixed American, 0.0017%; no homozygotes.

Submission:

GeneDx
Classification: Uncertain significance. Last evaluated: 2023-01-17. Review status: criteria provided, single submitter. Criteria: GeneDx Variant Classification Process June 2021. Collection method: clinical testing. Allele origin: germline. Affected: yes.
Comment: Not observed at significant frequency in large population cohorts (gnomAD); In silico analysis supports that this missense variant does not alter protein structure/function; Has not been previously published as pathogenic or benign to our knowledge

NM_000552.5(VWF):c.4001G>A (p.Arg1334Gln)

Gene: VWF (von Willebrand factor; minus strand). Cytogenetic location: 12p13.31.
Variant type: single nucleotide variant.
Coding change: c.4001G>A on transcript NM_000552.5 (MANE Select); coding-DNA position 4001, G replaced by A.
Protein change: p.Arg1334Gln; replaces arginine 1334 with glutamine.
Molecular consequence: missense variant.
Genome position (GRCh38, 1-based): chr12:6,019,417, C>T on the plus strand (G>A on the coding strand, the complement: VWF is on the minus strand). VCF-style: chr12-6019417-C-T. GRCh37 (hg19) VCF-style: chr12-6128583-C-T.
Other names: short protein forms R1334Q.
Identifiers: ClinVar variation 2572701 (VCV002572701.1), dbSNP rs775812331, ClinGen allele CA6402627.